The following is an entry in ClinVar:

NM_000264.5(PTCH1):c.1067+139T>C

Gene: PTCH1 (patched 1; minus strand). Cytogenetic location: 9q22.32.
Variant type: single nucleotide variant.
Coding change: c.1067+139T>C on transcript NM_000264.5 (MANE Select); 139 bases into the intron after coding-DNA position 1067, T replaced by C.
Molecular consequence: intron variant.
Genome position (GRCh38, 1-based): chr9:95,479,830, A>G on the plus strand (T>C on the coding strand, the complement: PTCH1 is on the minus strand). VCF-style: chr9-95479830-A-G. GRCh37 (hg19) VCF-style: chr9-98242112-A-G.
Other names: c.1064+139T>C (NM_001083603.3); c.869+139T>C (NM_001083602.3); c.1067+139T>C (NM_001354918.2); c.614+139T>C (NM_001083605.3, NM_001083604.3, NM_001083606.3 and 1 more transcripts).
Identifiers: ClinVar variation 677043 (VCV000677043.2), dbSNP rs2274694, ClinGen allele CA12964333.
Genomic context (GRCh38, chr9:95,479,830, plus strand): 5'-TTGAAAAATTCCCCACAAGGTGCTTTTTCAAGCTGTTGCAGTCTGCTACTATTTCTTAAT[A>G]TTCTATGACGCCACCTGGCTAGCGAGGATAACGGTTTAAGTATTAATACAAATACACTTG-3'

ClinVar aggregate classification (germline): Benign. Review status: criteria provided, multiple submitters, no conflicts (2 of 4 stars). 2 submissions from 2 submitters: Benign (2). Last evaluated 2018-06-18.

Allele frequency attached by ClinVar (database versions not stated): 1000 Genomes Project 30x 0.17036; 1000 Genomes Project 0.17073; TOPMed 0.21900; gnomAD exomes 0.22641; gnomAD 0.22700 and 0.23224.
gnomAD v4.1: 316,956 of 1,400,614 alleles (23%); highest among the groups gnomAD compares: African/African-American, 24%; 37,623 homozygotes.

Submissions (2):

GeneDx
Classification: Benign. Last evaluated: 2018-06-18. Review status: criteria provided, single submitter. Criteria: GeneDx Variant Classification (06012015). Collection method: clinical testing. Allele origin: germline. Affected: yes.
Comment: This variant is considered likely benign or benign based on one or more of the following criteria: it is a conservative change, it occurs at a poorly conserved position in the protein, it is predicted to be benign by multiple in silico algorithms, and/or has population frequency not consistent with disease.

Breakthrough Genomics
Classification: Benign. Review status: criteria provided, single submitter. Criteria: ACMG Guidelines, 2015. Collection method: not provided. Allele origin: germline. Inheritance: Autosomal dominant inheritance. Affected: yes.